The following is an entry in ClinVar:

ClinVar aggregate classification (germline): Likely benign (0 of 4 stars; one submission).

Conditions:
DNAH6-related disorder. Also called: DNAH6-related condition.

Allele frequency attached by ClinVar (database versions not stated): TOPMed 0.00016; ESP Exome Variant Server 0.00022; gnomAD 0.00024; 1000 Genomes Project 30x 0.00047; 1000 Genomes Project 0.00060; ExAC 0.00268.
gnomAD v4.1: 738 of 1,551,664 alleles (0.048%); highest among the groups gnomAD compares: South Asian, 0.58%; 5 homozygotes.

Submission:

PreventionGenetics, part of Exact Sciences
Classification: Likely benign for DNAH6-related condition. Last evaluated: 2020-04-02. Review status: no assertion criteria provided. Collection method: clinical testing. Allele origin: germline.
Comment: This variant is classified as likely benign based on ACMG/AMP sequence variant interpretation guidelines (Richards et al. 2015 PMID: 25741868, with internal and published modifications).

NM_001370.2(DNAH6):c.3647A>T (p.His1216Leu)

Gene: DNAH6 (dynein axonemal heavy chain 6; plus strand). Cytogenetic location: 2p11.2.
Variant type: single nucleotide variant.
Coding change: c.3647A>T on transcript NM_001370.2 (MANE Select); coding-DNA position 3647, A replaced by T.
Protein change: p.His1216Leu; replaces histidine 1216 with leucine.
Molecular consequence: missense variant.
Genome position (GRCh38, 1-based): chr2:84,619,759, A>T. VCF-style: chr2-84619759-A-T. GRCh37 (hg19) VCF-style: chr2-84846883-A-T.
Other names: short protein forms H1216L.
Identifiers: ClinVar variation 3055526 (VCV003055526.2), dbSNP rs367551290, ClinGen allele CA1737074.